The following is an entry in ClinVar:

ClinVar aggregate classification (germline): Benign (1 of 4 stars; one submission).

Conditions:
Lathosterolosis. Also called: SC5D DEFICIENCY; STEROL C5-DESATURASE DEFICIENCY. Identifiers: Orphanet 46059, MedGen C1846421, MONDO:0011816, OMIM 607330.

Allele frequency attached by ClinVar (database versions not stated): gnomAD 0.10559 and 0.10755; TOPMed 0.11746; 1000 Genomes Project 30x 0.15584; 1000 Genomes Project 0.15695.
gnomAD v4.1: 16,491 of 152,228 alleles (11%); highest among the groups gnomAD compares: East Asian, 27%; 1,099 homozygotes.

Submission:

Illumina Laboratory Services, Illumina
Classification: Benign for Lathosterolosis. Last evaluated: 2018-01-13. Review status: criteria provided, single submitter. Criteria: ICSL Variant Classification Criteria 13 December 2019. Collection method: clinical testing. Allele origin: germline.
Comment: This variant was observed in the ICSL laboratory as part of a predisposition screen in an ostensibly healthy population. It had not been previously curated by ICSL or reported in the Human Gene Mutation Database (HGMD: prior to June 1st, 2018), and was therefore a candidate for classification through an automated scoring system. Utilizing variant allele frequency, disease prevalence and penetrance estimates, and inheritance mode, an automated score was calculated to assess if this variant is too frequent to cause the disease. Based on the score and internal cut-off values, a variant classified as benign is not then subjected to further curation. The score for this variant resulted in a classification of benign for this disease.

NM_006918.5(SC5D):c.*3627A>G

Gene: SC5D (sterol-C5-desaturase; plus strand). Cytogenetic location: 11q24.1.
Variant type: single nucleotide variant.
Coding change: c.*3627A>G on transcript NM_006918.5 (MANE Select); 3627 bases downstream of the stop codon, A replaced by G.
Molecular consequence: 3 prime UTR variant.
Genome position (GRCh38, 1-based): chr11:121,311,139, A>G. VCF-style: chr11-121311139-A-G. GRCh37 (hg19) VCF-style: chr11-121181848-A-G.
Other names: c.*3627A>G (NM_001024956.3).
Identifiers: ClinVar variation 303099 (VCV000303099.5), dbSNP rs2115925, ClinGen allele CA10637605.
Genomic context (GRCh38, chr11:121,311,139, plus strand): 5'-TTTGAGATGCCAGATTCCTTGGAAGTAGAGACCGTGTCTGAATCATCATTGTATTAAACC[A>G]CTCATCCTTAACAAATGCCCAAGCCATGGTTAAAGTTCAATAAATACTTTGTTGAATTTA-3'